The following is an entry in ClinVar:

NM_001242896.3(DEPDC5):c.2170+8G>C

Gene: DEPDC5 (DEP domain containing 5, GATOR1 subcomplex subunit; plus strand). Cytogenetic location: 22q12.3.
Variant type: single nucleotide variant.
Coding change: c.2170+8G>C on transcript NM_001242896.3 (MANE Select); 8 bases into the intron after coding-DNA position 2170, G replaced by C.
Molecular consequence: intron variant.
Genome position (GRCh38, 1-based): chr22:31,833,988, G>C. VCF-style: chr22-31833988-G-C. GRCh37 (hg19) VCF-style: chr22-32229974-G-C.
Other names: c.2170+8G>C (NM_001364318.2, NM_001136029.4, NM_014662.6 and 3 more transcripts); c.1936+8G>C (NM_001363854.2, NM_001242897.2, NM_001364319.2); c.2086+8G>C (NM_001369902.1, NM_001369901.1).
Identifiers: ClinVar variation 3054775 (VCV003054775.2), dbSNP rs2519791896, ClinGen allele CA2577694724.

ClinVar aggregate classification (germline): Likely benign (0 of 4 stars; one submission).

Conditions:
DEPDC5-related disorder. Also called: DEPDC5-related condition; DEPDC5-related related disorder.

gnomAD v4.1: 5 of 1,613,642 alleles (0.00031%); highest among the groups gnomAD compares: Non-Finnish European, 0.00034%; no homozygotes.

Submission:

PreventionGenetics, part of Exact Sciences
Classification: Likely benign for DEPDC5-related condition. Last evaluated: 2023-02-18. Review status: no assertion criteria provided. Collection method: clinical testing. Allele origin: germline.
Comment: This variant is classified as likely benign based on ACMG/AMP sequence variant interpretation guidelines (Richards et al. 2015 PMID: 25741868, with internal and published modifications).